The following is an entry in ClinVar:

ClinVar aggregate classification (germline): Uncertain significance. Review status: criteria provided, multiple submitters, no conflicts (2 of 4 stars). 2 submissions from 2 submitters: Uncertain significance (2). Last evaluated 2025-11-08.

Allele frequency attached by ClinVar (database versions not stated): gnomAD exomes below 0.00001; gnomAD 0.00001; TOPMed 0.00001.
gnomAD v4.1: 9 of 1,613,140 alleles (0.00056%); highest among the groups gnomAD compares: East Asian, 0.0022%; no homozygotes.

Submissions (2):

Ambry Genetics
Classification: Uncertain significance. Last evaluated: 2025-11-08. Review status: criteria provided, single submitter. Criteria: Ambry Variant Classification Scheme 2023. Collection method: clinical testing. Allele origin: germline.

Labcorp Genetics (formerly Invitae), Labcorp
Classification: Uncertain significance. Last evaluated: 2024-03-15. Review status: criteria provided, single submitter. Criteria: Invitae Variant Classification Sherloc (09022015). Collection method: clinical testing. Allele origin: germline.
Comment: This sequence change replaces alanine, which is neutral and non-polar, with valine, which is neutral and non-polar, at codon 943 of the ITGAM protein (p.Ala943Val). This variant is not present in population databases (gnomAD no frequency). This variant has not been reported in the literature in individuals affected with ITGAM-related conditions. ClinVar contains an entry for this variant (Variation ID: 2191530). An algorithm developed to predict the effect of missense changes on protein structure and function (PolyPhen-2) suggests that this variant is likely to be disruptive. In summary, the available evidence is currently insufficient to determine the role of this variant in disease. Therefore, it has been classified as a Variant of Uncertain Significance.

NM_000632.4(ITGAM):c.2828C>T (p.Ala943Val)

Gene: ITGAM (integrin subunit alpha M; plus strand). Cytogenetic location: 16p11.2.
Variant type: single nucleotide variant.
Coding change: c.2828C>T on transcript NM_000632.4 (MANE Select); coding-DNA position 2828, C replaced by T.
Protein change: p.Ala943Val; replaces alanine 943 with valine.
Molecular consequence: missense variant.
Genome position (GRCh38, 1-based): chr16:31,329,263, C>T. VCF-style: chr16-31329263-C-T. GRCh37 (hg19) VCF-style: chr16-31340584-C-T.
Other names: c.2831C>T, p.Ala944Val (NM_001145808.2); c.2828C>T (NM_000632.3); short protein forms A943V, A944V.
Identifiers: ClinVar variation 2191530 (VCV002191530.7), dbSNP rs2080549522, ClinGen allele CA395698486.